The following is an entry in ClinVar:

ClinVar aggregate classification (germline): Likely benign. Review status: criteria provided, single submitter (1 of 4 stars). 2 submissions from 2 submitters: Likely benign (1). 1 of the submissions does not count toward it. Last evaluated 2024-10-15.

Conditions:
SON-related disorder. Also called: SON-related condition.

Allele frequency attached by ClinVar (database versions not stated): TOPMed 0.00001.

Submissions (2):

Labcorp Genetics (formerly Invitae), Labcorp
Classification: Likely benign. Last evaluated: 2024-10-15. Review status: criteria provided, single submitter. Criteria: Invitae Variant Classification Sherloc (09022015). Collection method: clinical testing. Allele origin: germline.

PreventionGenetics, part of Exact Sciences
Classification: Likely benign for SON-related condition. Last evaluated: 2019-04-02. Review status: no assertion criteria provided. Collection method: clinical testing. Allele origin: germline. Not counted in ClinVar's aggregate classification.
Comment: This variant is classified as likely benign based on ACMG/AMP sequence variant interpretation guidelines (Richards et al. 2015 PMID: 25741868, with internal and published modifications).

NM_138927.4(SON):c.4098C>G (p.Thr1366=)

Gene: SON (SON DNA and RNA binding protein; plus strand). Cytogenetic location: 21q22.11.
Variant type: single nucleotide variant.
Coding change: c.4098C>G on transcript NM_138927.4 (MANE Select); coding-DNA position 4098, C replaced by G.
Protein change: p.Thr1366=; no amino-acid change (threonine 1366 retained).
Molecular consequence: synonymous variant. On other transcripts: non-coding transcript variant (1), intron variant (1).
Genome position (GRCh38, 1-based): chr21:33,553,329, C>G. VCF-style: chr21-33553329-C-G. GRCh37 (hg19) VCF-style: chr21-34925635-C-G.
Other names: c.4098C>G, p.Thr1366= (NM_001291411.2, NM_032195.3); c.245-3827C>G (NM_001291412.3); c.4098C>G (NM_138927.2).
Identifiers: ClinVar variation 741165 (VCV000741165.6), dbSNP rs550454473, ClinGen allele CA10009450.